The following is an entry in ClinVar:

ClinVar aggregate classification (germline): Uncertain significance (1 of 4 stars; one submission).

Conditions:
Long QT syndrome (LQTS). Identifiers: MedGen C0023976, MeSH D008133, MONDO:0002442. Disease mechanism: loss of function. Inheritance: Various modes of inheritance.

Allele frequency attached by ClinVar (database versions not stated): gnomAD exomes below 0.00001.
gnomAD v4.1: 1 of 1,613,996 alleles (0.000062%); highest among the groups gnomAD compares: Non-Finnish European, 0.000085%; no homozygotes.

Submission:

Labcorp Genetics (formerly Invitae), Labcorp
Classification: Uncertain significance for Long QT syndrome. Last evaluated: 2025-05-06. Review status: criteria provided, single submitter. Criteria: Invitae Variant Classification Sherloc (09022015). Collection method: clinical testing. Allele origin: germline.
Comment: This sequence change replaces proline, which is neutral and non-polar, with leucine, which is neutral and non-polar, at codon 2021 of the ANK2 protein (p.Pro2021Leu). This variant is not present in population databases (gnomAD no frequency). This variant has not been reported in the literature in individuals affected with ANK2-related conditions. ClinVar contains an entry for this variant (Variation ID: 2770645). Invitae Evidence Modeling of protein sequence and biophysical properties (such as structural, functional, and spatial information, amino acid conservation, physicochemical variation, residue mobility, and thermodynamic stability) indicates that this missense variant is expected to disrupt ANK2 protein function with a positive predictive value of 80%. In summary, the available evidence is currently insufficient to determine the role of this variant in disease. Therefore, it has been classified as a Variant of Uncertain Significance.

NM_001148.6(ANK2):c.6062C>T (p.Pro2021Leu)

Genes: ANK2 (ankyrin 2; plus strand), LOC126807136 (MED14-independent group 3 enhancer GRCh37_chr4:114274931-114276130; plus strand). Cytogenetic location: 4q26.
Variant type: single nucleotide variant.
Coding change: c.6062C>T on transcript NM_001148.6 (MANE Select); coding-DNA position 6062, C replaced by T.
Protein change: p.Pro2021Leu; replaces proline 2021 with leucine.
Molecular consequence: missense variant. On other transcripts: intron variant (68).
Genome position (GRCh38, 1-based): chr4:113,354,680, C>T. VCF-style: chr4-113354680-C-T. GRCh37 (hg19) VCF-style: chr4-114275836-C-T.
Other names: c.4207+4431C>T (NM_001386150.1, NM_001386149.1, NM_001386153.1 and 1 more transcripts); c.4192+4431C>T (NM_001354274.2, NM_001386154.1); c.4141+4431C>T (NM_001386151.1, NM_001354260.2, NM_001354271.2); c.4042+4431C>T (NM_001386157.1, NM_001354277.2); c.4360+4431C>T (NM_001386161.1, NM_001354244.2, NM_001354256.2); c.4285+4431C>T (NM_001354261.2); c.4165+4431C>T (NM_001386156.1, NM_001354257.2); c.4261+4431C>T (NM_001354264.2); and 35 more; short protein forms P1943L, P2060L, P2068L, P821L, P2021L.
Identifiers: ClinVar variation 2770645 (VCV002770645.3), dbSNP rs2505494992, ClinGen allele CA357922279.